The following is an entry in ClinVar:

NM_002386.4(MC1R):c.230T>A (p.Ile77Asn)

Gene: MC1R (melanocortin 1 receptor; plus strand). Cytogenetic location: 16q24.3.
Variant type: single nucleotide variant.
Coding change: c.230T>A on transcript NM_002386.4 (MANE Select); coding-DNA position 230, T replaced by A.
Protein change: p.Ile77Asn; replaces isoleucine 77 with asparagine.
Molecular consequence: missense variant.
Genome position (GRCh38, 1-based): chr16:89,919,488, T>A. VCF-style: chr16-89919488-T-A. GRCh37 (hg19) VCF-style: chr16-89985896-T-A.
Other names: short protein forms I77N.
Identifiers: ClinVar variation 4550301 (VCV004550301.1).

ClinVar aggregate classification (germline): Uncertain significance (1 of 4 stars; one submission).

Submission:

Ambry Genetics
Classification: Uncertain significance. Last evaluated: 2025-10-16. Review status: criteria provided, single submitter. Criteria: Ambry Variant Classification Scheme 2023. Collection method: clinical testing. Allele origin: germline.
Comment: The p.I77N variant (also known as c.230T>A), located in coding exon 1 of the MC1R gene, results from a T to A substitution at nucleotide position 230. The isoleucine at codon 77 is replaced by asparagine, an amino acid with dissimilar properties. This amino acid position is conserved. In addition, the in silico prediction for this alteration is inconclusive. Based on the available evidence, the clinical significance of this variant remains unclear.